The following is an entry in ClinVar:

ClinVar aggregate classification (germline): Pathogenic. Review status: criteria provided, multiple submitters, no conflicts (2 of 4 stars). 8 submissions from 8 submitters: Pathogenic (5). 3 of the submissions do not count toward it. Last evaluated 2025-05-01.

Conditions:
Citrullinemia. Identifiers: Orphanet 187, MedGen C0175683, MONDO:0015991.
Citrullinemia type I (CTNL1). Also called: argininosuccinate synthetase deficiency; ASS DEFICIENCY. Identifiers: Orphanet 247525, MedGen C4721769, MONDO:0008988, OMIM 215700.
Citrullinemia, mild. Identifiers: MedGen C4016834.

Allele frequency attached by ClinVar (database versions not stated): gnomAD exomes below 0.00001.
gnomAD v4.1: 2 of 1,613,320 alleles (0.00012%); highest among the groups gnomAD compares: Middle Eastern, 0.033%; no homozygotes.

Submissions (8):

Labcorp Genetics (formerly Invitae), Labcorp
Classification: Pathogenic for Citrullinemia. Last evaluated: 2025-05-01. Review status: criteria provided, single submitter. Criteria: Invitae Variant Classification Sherloc (09022015). Collection method: clinical testing. Allele origin: germline.
Comment: This sequence change replaces glycine, which is neutral and non-polar, with valine, which is neutral and non-polar, at codon 362 of the ASS1 protein (p.Gly362Val). This variant is not present in population databases (gnomAD no frequency). This missense change has been observed in individual(s) with citrullinemia type I (PMID: 11941481, 12815590, 14680976, 28132756). ClinVar contains an entry for this variant (Variation ID: 6336). Invitae Evidence Modeling of protein sequence and biophysical properties (such as structural, functional, and spatial information, amino acid conservation, physicochemical variation, residue mobility, and thermodynamic stability) has been performed for this missense variant. However, the output from this modeling did not meet the statistical confidence thresholds required to predict the impact of this variant on ASS1 protein function. Experimental studies have shown that this missense change affects ASS1 function (PMID: 18473344). For these reasons, this variant has been classified as Pathogenic.

Fulgent Genetics
Classification: Pathogenic for Citrullinemia type I. Last evaluated: 2024-06-13. Review status: criteria provided, single submitter. Criteria: ACMG Guidelines, 2015. Collection method: clinical testing. Allele origin: germline.

Baylor Genetics
Classification: Pathogenic for Citrullinemia type I. Last evaluated: 2023-10-16. Review status: criteria provided, single submitter. Criteria: ACMG Guidelines, 2015. Collection method: clinical testing. Allele origin: unknown.

CeGaT Center for Human Genetics Tuebingen
Classification: Pathogenic. Last evaluated: 2021-10-01. Review status: criteria provided, single submitter. Criteria: CeGaT Center For Human Genetics Tuebingen Variant Classification Criteria Version 2. Collection method: clinical testing. Allele origin: germline. Affected: yes. Observed: 3 variant alleles.

GeneDx
Classification: Pathogenic. Last evaluated: 2015-04-20. Review status: criteria provided, single submitter. Criteria: GeneDx Variant Classification (06012015). Collection method: clinical testing. Allele origin: germline. Affected: yes.
Comment: The G362V missense variant was first identified in the homozygous state in apatient with mild citrullinemia (Haberle et al., 2002), and was subsequently identified on 6 of 65 alleles inunrelated patients with mild citrullinemia (Berning et al., 2008). In vitro expression analysis found thatG362V is associated with approximately 40% residual argininosuccinate synthetase activity (Berning et al.,2008). G362V was not observed in approximately 6500 individuals of European and African Americanancestry in the NHLBI Exome Sequencing Project. Furthermore, missense variants in nearby residues(Y359D, R363W, R363G) have also been reported in the Human Gene Mutation Database in associationwith citrullinemia (Stenson et al., 2014), supporting the functional importance of this region of the protein.Therefore, we interpret G362V to be a pathogenic variant.

Natera, Inc.
Classification: Pathogenic for Citrullinemia type I. Last evaluated: 2020-09-16. Review status: no assertion criteria provided. Collection method: clinical testing. Allele origin: germline. Not counted in ClinVar's aggregate classification.

OMIM
Classification: Pathogenic for CITRULLINEMIA, MILD. Last evaluated: 2002-04-01. Review status: no assertion criteria provided. Collection method: literature only. Allele origin: germline. Not counted in ClinVar's aggregate classification.

GeneReviews
No classification provided. Condition: Citrullinemia type I. Review status: no classification provided. Collection method: literature only. Allele origin: germline. Affected: yes. Not counted in ClinVar's aggregate classification.

Literature cited by the submitters: PubMed 11941481 (cited by 3 submitters); PubMed 12815590 (cited by Labcorp Genetics (formerly Invitae), Labcorp and GeneReviews); PubMed 14680976 (cited by Labcorp Genetics (formerly Invitae), Labcorp); PubMed 28132756 (cited by Labcorp Genetics (formerly Invitae), Labcorp); PubMed 18473344 (cited by Labcorp Genetics (formerly Invitae), Labcorp); PubMed 23780642 (cited by GeneReviews); NCBI Bookshelf NBK1458 (cited by GeneReviews).

NM_054012.4(ASS1):c.1085G>T (p.Gly362Val)

Gene: ASS1 (argininosuccinate synthase 1; plus strand). Cytogenetic location: 9q34.11.
Variant type: single nucleotide variant.
Coding change: c.1085G>T on transcript NM_054012.4 (MANE Select); coding-DNA position 1085, G replaced by T.
Protein change: p.Gly362Val; replaces glycine 362 with valine.
Molecular consequence: missense variant.
Genome position (GRCh38, 1-based): chr9:130,494,981, G>T. VCF-style: chr9-130494981-G-T. GRCh37 (hg19) VCF-style: chr9-133370368-G-T.
Other names: c.1085G>T, p.Gly362Val (NM_000050.4); short protein forms G362V.
Identifiers: ClinVar variation 6336 (VCV000006336.44), dbSNP rs121908647, ClinGen allele CA118131.